The following is an entry in ClinVar:

ClinVar aggregate classification (germline): Conflicting classifications of pathogenicity. Review status: criteria provided, conflicting classifications (1 of 4 stars). 3 submissions from 3 submitters: Uncertain significance (1); Likely benign (1). 1 of the submissions does not count toward it. Last evaluated 2026-01-03.

Conditions:
Inborn genetic diseases. Identifiers: MedGen C0950123, MeSH D030342.
ALPK1-related disorder. Also called: ALPK1-related condition.

Allele frequency attached by ClinVar (database versions not stated): gnomAD 0.00009; ExAC 0.00023; TOPMed 0.00023.
gnomAD v4.1: 102 of 1,614,068 alleles (0.0063%); highest among the groups gnomAD compares: Admixed American, 0.16%; no homozygotes.

Submissions (3):

Labcorp Genetics (formerly Invitae), Labcorp
Classification: Likely benign. Last evaluated: 2026-01-03. Review status: criteria provided, single submitter. Criteria: Invitae Variant Classification Sherloc (09022015). Collection method: clinical testing. Allele origin: germline.

Ambry Genetics
Classification: Uncertain significance for Inborn genetic diseases. Last evaluated: 2025-06-12. Review status: criteria provided, single submitter. Criteria: Ambry Variant Classification Scheme 2023. Collection method: clinical testing. Allele origin: germline.

PreventionGenetics, part of Exact Sciences
Classification: Likely benign for ALPK1-related condition. Last evaluated: 2022-08-01. Review status: no assertion criteria provided. Collection method: clinical testing. Allele origin: germline. Not counted in ClinVar's aggregate classification.
Comment: This variant is classified as likely benign based on ACMG/AMP sequence variant interpretation guidelines (Richards et al. 2015 PMID: 25741868, with internal and published modifications).

NM_025144.4(ALPK1):c.2904G>C (p.Glu968Asp)

Gene: ALPK1 (alpha kinase 1; plus strand). Cytogenetic location: 4q25.
Variant type: single nucleotide variant.
Coding change: c.2904G>C on transcript NM_025144.4 (MANE Select); coding-DNA position 2904, G replaced by C.
Protein change: p.Glu968Asp; replaces glutamic acid 968 with aspartic acid.
Molecular consequence: missense variant.
Genome position (GRCh38, 1-based): chr4:112,432,451, G>C. VCF-style: chr4-112432451-G-C. GRCh37 (hg19) VCF-style: chr4-113353607-G-C.
Other names: c.2904G>C, p.Glu968Asp (NM_001102406.2); c.2670G>C, p.Glu890Asp (NM_001253884.2); c.2904G>C (NM_001102406.1, NM_025144.3); short protein forms E968D, E890D.
Identifiers: ClinVar variation 2055077 (VCV002055077.7), dbSNP rs201791973, ClinGen allele CA3047011.